The following is an entry in ClinVar:

NM_024940.8(DOCK5):c.4674C>T (p.Ala1558=)

Gene: DOCK5 (dedicator of cytokinesis 5; plus strand). Cytogenetic location: 8p21.2.
Variant type: single nucleotide variant.
Coding change: c.4674C>T on transcript NM_024940.8 (MANE Select); coding-DNA position 4674, C replaced by T.
Protein change: p.Ala1558=; no amino-acid change (alanine 1558 retained).
Molecular consequence: synonymous variant.
Genome position (GRCh38, 1-based): chr8:25,395,689, C>T. VCF-style: chr8-25395689-C-T. GRCh37 (hg19) VCF-style: chr8-25253205-C-T.
Identifiers: ClinVar variation 3777839 (VCV003777839.7).

ClinVar aggregate classification (germline): Likely benign (1 of 4 stars; one submission).

gnomAD v4.1: 786 of 1,613,776 alleles (0.049%); highest among the groups gnomAD compares: Non-Finnish European, 0.057%; no homozygotes.

Submission:

CeGaT Center for Human Genetics Tuebingen
Classification: Likely benign. Last evaluated: 2025-03-01. Review status: criteria provided, single submitter. Criteria: CeGaT Center For Human Genetics Tuebingen Variant Classification Criteria Version 2. Collection method: clinical testing. Allele origin: germline. Affected: yes. Observed: 1 variant allele.
Comment: DOCK5: BP4, BP7